The following is an entry in ClinVar:

NM_000229.2(LCAT):c.1016_1030del (p.Tyr339_Pro344delinsSer)

Gene: LCAT (lecithin-cholesterol acyltransferase; minus strand). Cytogenetic location: 16q22.1.
Variant type: Deletion.
Coding change: c.1016_1030del on transcript NM_000229.2 (MANE Select); coding-DNA positions 1016 to 1030, 15 bases deleted (ACGGCGTGGGCCTGC).
Protein change: p.Tyr339_Pro344delinsSer.
Molecular consequence: inframe indel.
Genome position (GRCh38, 1-based): chr16:67,940,197-67,940,211, GCAGGCCCACGCCGT deleted on the plus strand (ACGGCGTGGGCCTGC on the coding strand, the reverse complement: LCAT is on the minus strand). VCF-style (leftmost placement, unchanged base first): chr16-67940196-GGCAGGCCCACGCCGT-G. GRCh37 (hg19) VCF-style: chr16-67974099-GGCAGGCCCACGCCGT-G.
Identifiers: ClinVar variation 2021339 (VCV002021339.4), dbSNP rs2544402907, ClinGen allele CA2580091816.

ClinVar aggregate classification (germline): Uncertain significance (1 of 4 stars; one submission).

Submission:

Labcorp Genetics (formerly Invitae), Labcorp
Classification: Uncertain significance. Last evaluated: 2022-08-03. Review status: criteria provided, single submitter. Criteria: Invitae Variant Classification Sherloc (09022015). Collection method: clinical testing. Allele origin: germline.
Comment: This variant has not been reported in the literature in individuals affected with LCAT-related conditions. Experimental studies and prediction algorithms are not available or were not evaluated, and the functional significance of this variant is currently unknown. This variant is not present in population databases (gnomAD no frequency). In summary, the available evidence is currently insufficient to determine the role of this variant in disease. Therefore, it has been classified as a Variant of Uncertain Significance. This variant, c.1016_1030del, is a complex sequence change that results in the deletion of 6 and insertion of 1 amino acid(s) in the LCAT protein (p.Tyr339_Pro344delinsSer).